The following is an entry in ClinVar:

NM_000536.4(RAG2):c.718C>T (p.Leu240Phe)

Gene: RAG2 (recombination activating 2; minus strand). Cytogenetic location: 11p12.
Variant type: single nucleotide variant.
Coding change: c.718C>T on transcript NM_000536.4 (MANE Select); coding-DNA position 718, C replaced by T.
Protein change: p.Leu240Phe; replaces leucine 240 with phenylalanine.
Molecular consequence: missense variant.
Genome position (GRCh38, 1-based): chr11:36,593,451, G>A on the plus strand (C>T on the coding strand, the complement: RAG2 is on the minus strand). VCF-style: chr11-36593451-G-A. GRCh37 (hg19) VCF-style: chr11-36615001-G-A.
Other names: c.718C>T, p.Leu240Phe (NM_001243785.2, NM_001243786.2); short protein forms L240F.
Identifiers: ClinVar variation 965599 (VCV000965599.4), dbSNP rs374781438, ClinGen allele CA5950537.
Genomic context (GRCh38, chr11:36,593,451, plus strand): 5'-TGGAGACAGAGATTCCTCCTGGCAAGACTGTGCAATTCACAGCTGGGCTACCCAGGGGAA[G>A]ATCAACCCTTATTCTGTACAGGTTGGCAGGCCGGATATTATTGGCAAGTGAATGTCCTCC-3'
Protein context (NP_000527.2, residues 230-250): PANLYRIRVD[Leu240Phe]PLGSPAVNCT

ClinVar aggregate classification (germline): Uncertain significance. Review status: criteria provided, single submitter (1 of 4 stars). 2 submissions from 2 submitters: Uncertain significance (1). 1 of the submissions does not count toward it. Last evaluated 2021-09-01.

Conditions:
Severe combined immunodeficiency, autosomal recessive, T cell-negative, B cell-negative, NK cell-positive. Also called: SCID, T CELL-NEGATIVE, B CELL-NEGATIVE, NK CELL-POSITIVE; SCID, AR, T-cell negative, B-cell negative, NK cell-positive; Severe combined immunodeficiency due to complete RAG1/2 deficiency. Identifiers: Orphanet 331206, MedGen C1832322, MONDO:0011086, OMIM 601457.
Combined immunodeficiency with skin granulomas. Identifiers: Orphanet 157949, MedGen C2673536, MONDO:0009306, OMIM 233650.
Histiocytic medullary reticulosis. Also called: SEVERE COMBINED IMMUNODEFICIENCY WITH HYPEREOSINOPHILIA; Omenn syndrome. Identifiers: Orphanet 39041, MedGen C2700553, MONDO:0011338, OMIM 603554.

Allele frequency attached by ClinVar (database versions not stated): TOPMed 0.00005; gnomAD 0.00006; ESP Exome Variant Server 0.00023.
gnomAD v4.1: 154 of 1,613,878 alleles (0.0095%); highest among the groups gnomAD compares: Non-Finnish European, 0.013%; no homozygotes.

Submissions (2):

Labcorp Genetics (formerly Invitae), Labcorp
Classification: Uncertain significance for Combined immunodeficiency with skin granulomas; Severe combined immunodeficiency, autosomal recessive, T cell-negative, B cell-negative, NK cell-positive. Last evaluated: 2021-09-01. Review status: criteria provided, single submitter. Criteria: Invitae Variant Classification Sherloc (09022015). Collection method: clinical testing. Allele origin: germline.
Comment: This sequence change replaces leucine with phenylalanine at codon 240 of the RAG2 protein (p.Leu240Phe). The leucine residue is highly conserved and there is a small physicochemical difference between leucine and phenylalanine. This variant is present in population databases (rs374781438, ExAC 0.004%). This variant has not been reported in the literature in individuals affected with RAG2-related conditions. Algorithms developed to predict the effect of missense changes on protein structure and function are either unavailable or do not agree on the potential impact of this missense change (SIFT: "Deleterious"; PolyPhen-2: "Probably Damaging"; Align-GVGD: "Class C0"). In summary, the available evidence is currently insufficient to determine the role of this variant in disease. Therefore, it has been classified as a Variant of Uncertain Significance.

Natera, Inc.
Classification: Uncertain significance for Omenn syndrome. Last evaluated: 2020-03-24. Review status: no assertion criteria provided. Collection method: clinical testing. Allele origin: germline. Not counted in ClinVar's aggregate classification.